The following is an entry in ClinVar:

ClinVar aggregate classification (germline): Pathogenic/Likely pathogenic. Review status: criteria provided, multiple submitters, no conflicts (2 of 4 stars). 23 submissions from 23 submitters: Pathogenic (18); Likely pathogenic (1). 4 of the submissions do not count toward it. Last evaluated 2026-02-02.

Conditions:
Canavan Disease, Familial Form. Identifiers: MedGen C0751663.
ASPA-related disorder. Also called: ASPA-related condition.
Inborn genetic diseases. Identifiers: MedGen C0950123, MeSH D030342.
Spongy degeneration of central nervous system. Also called: Von Bogaert-Bertrand disease; ACY2 DEFICIENCY; AMINOACYLASE 2 DEFICIENCY; ASP DEFICIENCY; ASPA DEFICIENCY; ASPARTOACYLASE DEFICIENCY. Identifiers: Orphanet 141, MedGen C0206307, MONDO:0010079, OMIM 271900.

Allele frequency attached by ClinVar (database versions not stated): gnomAD exomes 0.00020 and 0.00043; TOPMed 0.00026; gnomAD 0.00027 and 0.00028; ExAC 0.00036.
gnomAD v4.1: 356 of 1,614,100 alleles (0.022%); highest among the groups gnomAD compares: Non-Finnish European, 0.0035%; no homozygotes.

Submissions 1 to 12 of 23:

Labcorp Genetics (formerly Invitae), Labcorp
Classification: Pathogenic for Spongy degeneration of central nervous system. Last evaluated: 2026-02-02. Review status: criteria provided, single submitter. Criteria: Invitae Variant Classification Sherloc (09022015). Collection method: clinical testing. Allele origin: germline.
Comment: This sequence change replaces glutamic acid, which is acidic and polar, with alanine, which is neutral and non-polar, at codon 285 of the ASPA protein (p.Glu285Ala). This variant is present in population databases (rs28940279, gnomAD 0.9%). This missense change has been observed in individual(s) with Canavan disease (PMID: 8037206, 8252036). It has also been observed to segregate with disease in related individuals. ClinVar contains an entry for this variant (Variation ID: 2605). Invitae Evidence Modeling of protein sequence and biophysical properties (such as structural, functional, and spatial information, amino acid conservation, physicochemical variation, residue mobility, and thermodynamic stability) indicates that this missense variant is expected to disrupt ASPA protein function with a positive predictive value of 95%. Experimental studies have shown that this missense change affects ASPA function (PMID: 25003821). For these reasons, this variant has been classified as Pathogenic.

Dasa
Classification: Pathogenic. Last evaluated: 2025-12-16. Review status: criteria provided, single submitter. Criteria: DASA Assertion Criteria. Collection method: clinical testing. Allele origin: germline.
Comment: NM_000049.4(ASPA):c.854A>C (p.Glu285Ala) is a missense variant that results in the substitution of glutamic acid with alanine. Segregation evidence has been reported in affected families. This variant has been observed in affected individuals with related phenotype in a genotype context consistent with recessive disease (PMID: 25003821; PMID: 8037206). Functional evidence supports a deleterious effect on the gene or gene product (PMID: 25003821; PMID: 8037206). This variant has been recurrently observed in individuals with related phenotype (PMID: 25003821; PMID: 8037206). Multiple computational predictions support a deleterious effect on the gene or gene product. The variant is present at low frequency in population datasets. Based on the available data, this variant is classified as pathogenic.

PreventionGenetics, part of Exact Sciences
Classification: Pathogenic for ASPA-related condition. Last evaluated: 2025-12-09. Review status: criteria provided, single submitter. Criteria: ACMG Guidelines, 2015. Collection method: clinical testing. Allele origin: germline.
Comment: The ASPA c.854A>C variant is predicted to result in the amino acid substitution p.Glu285Ala. This variant has been reported at an allele frequency of ~0.9% in the Ashkenazi Jewish population; in other ethnicities it is reported less frequently (i.e. <0.1%) (gnomAD). The c.854A>C variant has previously been reported to be causative for autosomal recessive Canavan disease and is the most commonly reported pathogenic variant in the Ashkenazi Jewish population (Kaul et al. 1993. PubMed ID: 8252036; Zano et al. 2013. PubMed ID: 22850825), which is consistent with the relatively high allele frequency in this population. In summary, we interpret this variant as pathogenic.

Otogenetics
Classification: Pathogenic for Spongy degeneration of central nervous system. Last evaluated: 2025-11-21. Review status: criteria provided, single submitter. Criteria: ACMG Guidelines, 2015. Collection method: clinical testing. Allele origin: germline.
Comment: PS3_Supporting: Well-established in vitro and in vivo functional studies supportive of damaging effect on the gene product, with low residual enzymatic activity relative to wild-type reported (PMID: 22850825, 25003821); PM2: Maximum gnomAD MAF of 0.926% in Ashkenazi Jewish (ASJ) subpopulation (<0.926% threshold); PM3_VeryStrong: Variant reported in homozygous state in two affected individuals and in trans with multiple pathogenic variants in numerous individuals affected with Canavan disease (PMID: 8037206, 8252036, 34011350); PP3: In-silico models predict deleterious effect (Revel = 0.95, BayesDel = 0.58)

Natera, Inc.
Classification: Pathogenic for Canavan Disease. Last evaluated: 2025-11-18. Review status: criteria provided, single submitter. Criteria: Natera Variant Classification Schema (03/2026). Collection method: clinical testing. Allele origin: germline.
Comment: The c.854A>C variant in ASPA is a missense variant predicted to cause substitution of glutamic acid to alanine at amino acid 285. The frequency of this variant in the general population is greater than expected for disorder. This variant has been observed in one or more individuals affected with the associated recessive disease, as either homozygous or compound heterozygous with a second variant (PMID: 34011350, 16854607). Computational prediction algorithms indicate this variant is likely to affect gene or protein function. Given the available evidence, this variant is classified as Pathogenic.

Victorian Clinical Genetics Services, Murdoch Childrens Research Institute
Classification: Pathogenic for Spongy degeneration of central nervous system. Last evaluated: 2025-10-27. Review status: criteria provided, single submitter. Criteria: ACMG Guidelines, 2015. Collection method: clinical testing. Allele origin: germline.
Comment: This variant is classified as Pathogenic. Evidence in support of pathogenic classification: Variant is present in gnomAD <0.01 for a recessive condition (v4: 356 heterozygote(s), 0 homozygote(s)); This variant has strong previous evidence of pathogenicity in unrelated individuals. This variant has been classified as pathogenic by multiple clinical laboratories (ClinVar). It is a common variant reported in the Ashkenazi Jewish population and has been reported in compound heterozygous and homozygous individuals with Canavan disease (PMID: 34011350, 25668701). Additional information: Variant is predicted to result in a missense amino acid change from Glu to Ala; This variant is heterozygous; This gene is associated with autosomal recessive disease; Loss of function is a known mechanism of disease in this gene and is associated with Canavan disease (MIM#271900).

3billion
Classification: Pathogenic for Spongy degeneration of central nervous system. Last evaluated: 2025-02-17. Review status: criteria provided, single submitter. Criteria: ACMG Guidelines, 2015. Collection method: clinical testing. Allele origin: germline. Affected: yes.
Comment: The variant is observed at an extremely low frequency in the gnomAD v4.1.0 dataset (total allele frequency: 0.022%). Predicted Consequence/Location: Missense variant Functional studies provide moderate evidence of the variant having a damaging effect on the gene or gene product (PMID: 22850825). In silico tool predictions suggest damaging effect of the variant on gene or gene product [REVEL: 0.95 (>=0.6, sensitivity 0.68 and specificity 0.92); 3Cnet: 0.97 (>=0.6, sensitivity 0.72 and precision 0.9)]. The same nucleotide change resulting in the same amino acid change has been previously reported as pathogenic/likely pathogenic with strong evidence (ClinVar ID: VCV000002605 /PMID: 8252036). Therefore, this variant is classified as Pathogenic according to the recommendation of ACMG/AMP guideline.

Laboratory of Genetics, Children's Clinical University Hospital Latvia
Classification: Likely pathogenic. Last evaluated: 2025-02-16. Review status: criteria provided, single submitter. Criteria: ACMG Guidelines, 2015. Collection method: clinical testing. Allele origin: germline. Affected: yes.

Blueprint Genetics
Classification: Pathogenic for ASPA-related disorders. Last evaluated: 2024-09-30. Review status: criteria provided, single submitter. Criteria: ACMG Guidelines, 2015. Collection method: clinical testing. Allele origin: germline. Affected: yes. Observed: 5 variant alleles.

GeneDx
Classification: Pathogenic. Last evaluated: 2022-05-02. Review status: criteria provided, single submitter. Criteria: GeneDx Variant Classification Process June 2021. Collection method: clinical testing. Allele origin: germline. Affected: yes.
Comment: Expression studies found that E285A is associated with 0.3% of wild-type aspartoacylase enzyme activity as well as reduced thermal and conformational stability (Zano et al., 2013); In silico analysis supports that this missense variant has a deleterious effect on protein structure/function; This variant is associated with the following publications: (PMID: 23233226, 25003821, 22850825, 25333069, 21228398, 30609409, 20301412, 8037206, 31589614, 33304759, 8252036)

Revvity Omics, Revvity
Classification: Pathogenic for Spongy degeneration of central nervous system. Last evaluated: 2021-12-17. Review status: criteria provided, single submitter. Criteria: ACMG Guidelines, 2015. Collection method: clinical testing. Allele origin: germline.

Genome-Nilou Lab
Classification: Pathogenic for Spongy degeneration of central nervous system. Last evaluated: 2021-11-07. Review status: criteria provided, single submitter. Criteria: ACMG Guidelines, 2015. Collection method: clinical testing. Allele origin: germline. Affected: no.

NM_000049.4(ASPA):c.854A>C (p.Glu285Ala)

Genes: ASPA (aspartoacylase; plus strand), SPATA22 (spermatogenesis associated 22; minus strand). Cytogenetic location: 17p13.2.
Variant type: single nucleotide variant.
Coding change: c.854A>C on transcript NM_000049.4 (MANE Select); coding-DNA position 854, A replaced by C.
Protein change: p.Glu285Ala; replaces glutamic acid 285 with alanine.
Molecular consequence: missense variant. On other transcripts: intron variant (2).
Genome position (GRCh38, 1-based): chr17:3,499,000, A>C. VCF-style: chr17-3499000-A-C. GRCh37 (hg19) VCF-style: chr17-3402294-A-C.
Other names: 854A-C; c.854A>C, p.Glu285Ala (NM_001128085.1); c.-74+14412T>G (NM_001321336.2, NM_001321337.2); short protein forms E285A.
Identifiers: ClinVar variation 2605 (VCV000002605.141), dbSNP rs28940279, ClinGen allele CA325511.